The following is an entry in ClinVar:

NM_002103.5(GYS1):c.206C>T (p.Thr69Met)

Gene: GYS1 (glycogen synthase 1; minus strand). Cytogenetic location: 19q13.33.
Variant type: single nucleotide variant.
Coding change: c.206C>T on transcript NM_002103.5 (MANE Select); coding-DNA position 206, C replaced by T.
Protein change: p.Thr69Met; replaces threonine 69 with methionine.
Molecular consequence: missense variant.
Genome position (GRCh38, 1-based): chr19:48,991,396, G>A on the plus strand (C>T on the coding strand, the complement: GYS1 is on the minus strand). VCF-style: chr19-48991396-G-A. GRCh37 (hg19) VCF-style: chr19-49494653-G-A.
Other names: c.206C>T, p.Thr69Met (NM_001161587.2); short protein forms T69M.
Identifiers: ClinVar variation 1489898 (VCV001489898.5), dbSNP rs760809851, ClinGen allele CA9563421.

ClinVar aggregate classification (germline): Uncertain significance (1 of 4 stars; one submission).

Conditions:
Glycogen storage disease due to muscle and heart glycogen synthase deficiency. Also called: MUSCLE GLYCOGEN SYNTHASE DEFICIENCY; GSD 0b. Identifiers: Orphanet 137625, MedGen C1969054, MONDO:0012693, OMIM 611556.

Allele frequency attached by ClinVar (database versions not stated): gnomAD 0.00003 and 0.00004; gnomAD exomes 0.00003; ExAC 0.00004.
gnomAD v4.1: 27 of 1,614,014 alleles (0.0017%); highest among the groups gnomAD compares: Admixed American, 0.0083%; no homozygotes.

Submission:

Labcorp Genetics (formerly Invitae), Labcorp
Classification: Uncertain significance for Glycogen storage disease due to muscle and heart glycogen synthase deficiency. Last evaluated: 2022-06-20. Review status: criteria provided, single submitter. Criteria: Invitae Variant Classification Sherloc (09022015). Collection method: clinical testing. Allele origin: germline.
Comment: This sequence change replaces threonine, which is neutral and polar, with methionine, which is neutral and non-polar, at codon 69 of the GYS1 protein (p.Thr69Met). This variant is present in population databases (rs760809851, gnomAD 0.01%). This variant has not been reported in the literature in individuals affected with GYS1-related conditions. Algorithms developed to predict the effect of missense changes on protein structure and function (SIFT, PolyPhen-2, Align-GVGD) all suggest that this variant is likely to be tolerated. In summary, the available evidence is currently insufficient to determine the role of this variant in disease. Therefore, it has been classified as a Variant of Uncertain Significance.